The following is an entry in ClinVar:

ClinVar aggregate classification (germline): Uncertain significance. Review status: criteria provided, multiple submitters, no conflicts (2 of 4 stars). 3 submissions from 3 submitters: Uncertain significance (2). 1 of the submissions does not count toward it. Last evaluated 2026-01-27.

Conditions:
ZNF335-related disorder. Also called: ZNF335-related condition.
Inborn genetic diseases. Identifiers: MedGen C0950123, MeSH D030342.

Allele frequency attached by ClinVar (database versions not stated): ExAC 0.00005; ESP Exome Variant Server 0.00008; TOPMed 0.00012; gnomAD 0.00013.
gnomAD v4.1: 75 of 1,612,254 alleles (0.0047%); highest among the groups gnomAD compares: African/African-American, 0.039%; 1 homozygote.

Submissions (3):

Labcorp Genetics (formerly Invitae), Labcorp
Classification: Uncertain significance. Last evaluated: 2026-01-27. Review status: criteria provided, single submitter. Criteria: Invitae Variant Classification Sherloc (09022015). Collection method: clinical testing. Allele origin: germline.
Comment: This sequence change replaces arginine, which is basic and polar, with histidine, which is basic and polar, at codon 505 of the ZNF335 protein (p.Arg505His). This variant is present in population databases (rs372676643, gnomAD 0.03%). This variant has not been reported in the literature in individuals affected with ZNF335-related conditions. ClinVar contains an entry for this variant (Variation ID: 2082871). Invitae Evidence Modeling of protein sequence and biophysical properties (such as structural, functional, and spatial information, amino acid conservation, physicochemical variation, residue mobility, and thermodynamic stability) indicates that this missense variant is not expected to disrupt ZNF335 protein function with a negative predictive value of 80%. In summary, the available evidence is currently insufficient to determine the role of this variant in disease. Therefore, it has been classified as a Variant of Uncertain Significance.

Ambry Genetics
Classification: Uncertain significance for Inborn genetic diseases. Last evaluated: 2025-08-22. Review status: criteria provided, single submitter. Criteria: Ambry Variant Classification Scheme 2023. Collection method: clinical testing. Allele origin: germline.

PreventionGenetics, part of Exact Sciences
Classification: Uncertain significance for ZNF335-related condition. Last evaluated: 2024-05-01. Review status: no assertion criteria provided. Collection method: clinical testing. Allele origin: germline. Not counted in ClinVar's aggregate classification.
Comment: The ZNF335 c.1514G>A variant is predicted to result in the amino acid substitution p.Arg505His. To our knowledge, this variant has not been reported in the literature. This variant is reported in 0.024% of alleles in individuals of African descent in gnomAD. At this time, the clinical significance of this variant is uncertain due to the absence of conclusive functional and genetic evidence.

NM_022095.4(ZNF335):c.1514G>A (p.Arg505His)

Gene: ZNF335 (zinc finger protein 335; minus strand). Cytogenetic location: 20q13.12.
Variant type: single nucleotide variant.
Coding change: c.1514G>A on transcript NM_022095.4 (MANE Select); coding-DNA position 1514, G replaced by A.
Protein change: p.Arg505His; replaces arginine 505 with histidine.
Molecular consequence: missense variant.
Genome position (GRCh38, 1-based): chr20:45,963,492, C>T on the plus strand (G>A on the coding strand, the complement: ZNF335 is on the minus strand). VCF-style: chr20-45963492-C-T. GRCh37 (hg19) VCF-style: chr20-44592131-C-T.
Other names: c.1514G>A (NM_022095.3); short protein forms R505H.
Identifiers: ClinVar variation 2082871 (VCV002082871.8), dbSNP rs372676643, ClinGen allele CA9885713.